The following is an entry in ClinVar:

ClinVar aggregate classification (germline): Likely benign (0 of 4 stars; one submission).

Conditions:
LRP1-related disorder. Also called: LRP1-related condition.

Allele frequency attached by ClinVar (database versions not stated): ExAC 0.00011; gnomAD exomes 0.00015; gnomAD 0.00017; TOPMed 0.00017; ESP Exome Variant Server 0.00031.
gnomAD v4.1: 245 of 1,614,002 alleles (0.015%); highest among the groups gnomAD compares: Non-Finnish European, 0.019%; no homozygotes.

Submission:

PreventionGenetics, part of Exact Sciences
Classification: Likely benign for LRP1-related condition. Last evaluated: 2019-09-13. Review status: no assertion criteria provided. Collection method: clinical testing. Allele origin: germline.
Comment: This variant is classified as likely benign based on ACMG/AMP sequence variant interpretation guidelines (Richards et al. 2015 PMID: 25741868, with internal and published modifications).

NM_002332.3(LRP1):c.3588C>T (p.Cys1196=)

Gene: LRP1 (LDL receptor related protein 1; plus strand). Cytogenetic location: 12q13.3.
Variant type: single nucleotide variant.
Coding change: c.3588C>T on transcript NM_002332.3 (MANE Select); coding-DNA position 3588, C replaced by T.
Protein change: p.Cys1196=; no amino-acid change (cysteine 1196 retained).
Molecular consequence: synonymous variant.
Genome position (GRCh38, 1-based): chr12:57,175,500, C>T. VCF-style: chr12-57175500-C-T. GRCh37 (hg19) VCF-style: chr12-57569283-C-T.
Identifiers: ClinVar variation 3059097 (VCV003059097.2), dbSNP rs146906834, ClinGen allele CA6643091.